The following is an entry in ClinVar:

ClinVar aggregate classification (germline): Uncertain significance. Review status: criteria provided, multiple submitters, no conflicts (2 of 4 stars). 5 submissions from 5 submitters: Uncertain significance (4). 1 of the submissions does not count toward it. Last evaluated 2025-05-13.

Conditions:
Hypercholesterolemia, familial, 4 (FHCL4). Also called: HYPERCHOLESTEROLEMIA, AUTOSOMAL RECESSIVE, 1; HYPERCHOLESTEROLEMIA, AUTOSOMAL RECESSIVE, 2. Identifiers: Orphanet 391665, MedGen C1863512, MONDO:0011374, OMIM 603813.
Cardiovascular phenotype. Identifiers: MedGen CN230736.
Familial hypercholesterolemia. Also called: Familial hypercholesterolemias; Familial hypercholesterolaemia. Identifiers: MedGen C0020445, MONDO:0005439.

Allele frequency attached by ClinVar (database versions not stated): gnomAD 0.00001; TOPMed 0.00002.
gnomAD v4.1: 27 of 1,212,864 alleles (0.0022%); highest among the groups gnomAD compares: Non-Finnish European, 0.0028%; no homozygotes.

Submissions (5):

Ambry Genetics
Classification: Uncertain significance for Cardiovascular phenotype. Last evaluated: 2025-05-13. Review status: criteria provided, single submitter. Criteria: Ambry Variant Classification Scheme 2023. Collection method: clinical testing. Allele origin: germline.

Genome-Nilou Lab
Classification: Uncertain significance for Hypercholesterolemia, familial, 4. Last evaluated: 2023-04-11. Review status: criteria provided, single submitter. Criteria: ACMG Guidelines, 2015. Collection method: clinical testing. Allele origin: germline. Affected: no.

Labcorp Genetics (formerly Invitae), Labcorp
Classification: Uncertain significance for Hypercholesterolemia, familial, 4. Last evaluated: 2022-06-25. Review status: criteria provided, single submitter. Criteria: Invitae Variant Classification Sherloc (09022015). Collection method: clinical testing. Allele origin: germline.
Comment: This sequence change replaces isoleucine, which is neutral and non-polar, with valine, which is neutral and non-polar, at codon 12 of the LDLRAP1 protein (p.Ile12Val). This variant is present in population databases (no rsID available, gnomAD 0.1%). This variant has not been reported in the literature in individuals affected with LDLRAP1-related conditions. ClinVar contains an entry for this variant (Variation ID: 581619). Algorithms developed to predict the effect of missense changes on protein structure and function (SIFT, PolyPhen-2, Align-GVGD) all suggest that this variant is likely to be tolerated. Algorithms developed to predict the effect of sequence changes on RNA splicing suggest that this variant may create or strengthen a splice site. In summary, the available evidence is currently insufficient to determine the role of this variant in disease. Therefore, it has been classified as a Variant of Uncertain Significance.

Fulgent Genetics
Classification: Uncertain significance for Hypercholesterolemia, familial, 4. Last evaluated: 2021-10-04. Review status: criteria provided, single submitter. Criteria: ACMG Guidelines, 2015. Collection method: clinical testing. Allele origin: unknown.

Natera, Inc.
Classification: Uncertain significance for Familial hypercholesterolemia. Last evaluated: 2020-03-11. Review status: no assertion criteria provided. Collection method: clinical testing. Allele origin: germline. Not counted in ClinVar's aggregate classification.

NM_015627.3(LDLRAP1):c.34A>G (p.Ile12Val)

Genes: LDLRAP1 (low density lipoprotein receptor adaptor protein 1; plus strand), LOC129929773 (ATAC-STARR-seq lymphoblastoid silent region 456; plus strand). Cytogenetic location: 1p36.11.
Variant type: single nucleotide variant.
Coding change: c.34A>G on transcript NM_015627.3 (MANE Select); coding-DNA position 34, A replaced by G.
Protein change: p.Ile12Val; replaces isoleucine 12 with valine.
Molecular consequence: missense variant.
Genome position (GRCh38, 1-based): chr1:25,543,732, A>G. VCF-style: chr1-25543732-A-G. GRCh37 (hg19) VCF-style: chr1-25870223-A-G.
Other names: short protein forms I12V.
Identifiers: ClinVar variation 581619 (VCV000581619.9), dbSNP rs1250534468, ClinGen allele CA339076550.
Genomic context (GRCh38, chr1:25,543,732, plus strand): 5'-CAGCGGCGGCGGCGGCCGGAGCGGGCCATGGACGCGCTCAAGTCGGCGGGGCGGGCGCTG[A>G]TCCGGAGCCCCAGCTTGGCCAAGCAGAGCTGGGGGGGCGGTGGCCGGCACCGCAGTGAGT-3'
Protein context (NP_056442.2, residues 2-22): DALKSAGRAL[Ile12Val]RSPSLAKQSW